The following is an entry in ClinVar:

NM_000261.2(MYOC):c.752T>C (p.Val251Ala)

Gene: MYOC (myocilin; minus strand). Cytogenetic location: 1q24.3.
Variant type: single nucleotide variant.
Coding change: c.752T>C on transcript NM_000261.2 (MANE Select); coding-DNA position 752, T replaced by C.
Protein change: p.Val251Ala; replaces valine 251 with alanine.
Molecular consequence: missense variant.
Genome position (GRCh38, 1-based): chr1:171,636,688, A>G on the plus strand (T>C on the coding strand, the complement: MYOC is on the minus strand). VCF-style: chr1-171636688-A-G. GRCh37 (hg19) VCF-style: chr1-171605828-A-G.
Other names: NM_000261.2:c.752T>C; short protein forms V251A.
Identifiers: ClinVar variation 1342196 (VCV001342196.6), dbSNP rs2102944863, ClinGen allele CA343726262.

ClinVar aggregate classification (germline): Pathogenic (3 of 4 stars; one submission).

Conditions:
Open-angle glaucoma. Identifiers: MedGen C0017612, MONDO:0005338, HP:0012108.

Submission:

ClinGen Glaucoma Variant Curation Expert Panel
Classification: Pathogenic for Open-angle glaucoma. Last evaluated: 2026-01-20. Review status: reviewed by expert panel. Criteria: ClinGen Glaucoma ACMG Specifications V2.0.0 Approved. Collection method: curation. Allele origin: germline. Inheritance: Autosomal dominant inheritance.
Comment: The c.752T>C variant in MYOC is a missense variant predicted to cause substitution of Valine by Alanine at amino acid 251 (p.Val251Ala). This variant was not found in any genetic ancestry group of gnomAD (v4.1.0), meeting the ≤ 0.0001 threshold set for PM2_Supporting in a genetic ancestry group of at least 10,000 alleles. The REVEL score = 0.839, which was within the 0.773-0.931 range for PP3_Moderate, predicting a damaging effect on MYOC function. There was no functional evidence predicting a damaging or benign impact of this variant on MYOC function. 17 segregations in 3 families, with juvenile or primary open angle glaucoma (JOAG or POAG), have been reported (PMIDs: 32937162, 23517641 and Pasutto pers. comm.), which fulfilled PP1_Strong (≥7 meioses in >1 family). 3 probands with JOAG or POAG have been reported (PMIDs: 32937162, 23517641 and Pasutto pers. comm.) carrying this variant, which met PS4_Supporting (≥ 2 probands). One of these was a confirmed de novo proband with juvenile open angle glaucoma (PMID: 23517641) (PS2_Moderate). In summary, this variant met the criteria to receive a score of 10 and to be classified as pathogenic (pathogenic classification ≥ 10, adapted from PMID: 32720330) for juvenile open angle glaucoma based on the ACMG/AMP criteria met, as specified by the ClinGen Glaucoma VCEP (v2.0.0, 5 Dec 2024): PP1_Strong, PS2_Moderate, PP3_Moderate, PM2_Supporting, PS4_Supporting